The following is an entry in ClinVar:

NM_001042492.3(NF1):c.4660G>A (p.Val1554Met)

Gene: NF1 (neurofibromin 1; plus strand). Cytogenetic location: 17q11.2.
Variant type: single nucleotide variant.
Coding change: c.4660G>A on transcript NM_001042492.3 (MANE Select); coding-DNA position 4660, G replaced by A.
Protein change: p.Val1554Met; replaces valine 1554 with methionine.
Molecular consequence: missense variant.
Genome position (GRCh38, 1-based): chr17:31,261,793, G>A. VCF-style: chr17-31261793-G-A. GRCh37 (hg19) VCF-style: chr17-29588811-G-A.
Other names: c.4597G>A, p.Val1533Met (NM_000267.4); short protein forms V1533M, V1554M.
Identifiers: ClinVar variation 579911 (VCV000579911.11), dbSNP rs1319687326, ClinGen allele CA399000401.

ClinVar aggregate classification (germline): Uncertain significance. Review status: criteria provided, multiple submitters, no conflicts (2 of 4 stars). 2 submissions from 2 submitters: Uncertain significance (2). Last evaluated 2025-11-26.

Conditions:
Cardiovascular phenotype. Identifiers: MedGen CN230736.
Hereditary cancer-predisposing syndrome. Also called: Hereditary neoplastic syndrome; Tumor predisposition; Hereditary Cancer Syndrome; Neoplastic Syndromes, Hereditary. Identifiers: Orphanet 140162, MedGen C0027672, MeSH D009386, MONDO:0015356.
Neurofibromatosis, type 1 (NF1). Also called: Peripheral type neurofibromatosis; Neurofibromatosis, type I; VON RECKLINGHAUSEN DISEASE; NEUROFIBROMATOSIS, TYPE I, SOMATIC. Identifiers: Orphanet 636, MedGen C0027831, MONDO:0018975, OMIM 162200. Disease mechanism: loss of function.

Allele frequency attached by ClinVar (database versions not stated): gnomAD exomes below 0.00001.
gnomAD v4.1: 1 of 1,612,722 alleles (0.000062%); highest among the groups gnomAD compares: Non-Finnish European, 0.000085%; no homozygotes.

Submissions (2):

Labcorp Genetics (formerly Invitae), Labcorp
Classification: Uncertain significance for Neurofibromatosis, type 1. Last evaluated: 2025-11-26. Review status: criteria provided, single submitter. Criteria: Invitae Variant Classification Sherloc (09022015). Collection method: clinical testing. Allele origin: germline.
Comment: This sequence change replaces valine, which is neutral and non-polar, with methionine, which is neutral and non-polar, at codon 1533 of the NF1 protein (p.Val1533Met). This variant is present in population databases (no rsID available, gnomAD 0.0009%). This variant has not been reported in the literature in individuals affected with NF1-related conditions. ClinVar contains an entry for this variant (Variation ID: 579911). Invitae Evidence Modeling of protein sequence and biophysical properties (such as structural, functional, and spatial information, amino acid conservation, physicochemical variation, residue mobility, and thermodynamic stability) has been performed for this missense variant. However, the output from this modeling did not meet the statistical confidence thresholds required to predict the impact of this variant on NF1 protein function. In summary, the available evidence is currently insufficient to determine the role of this variant in disease. Therefore, it has been classified as a Variant of Uncertain Significance.

Ambry Genetics
Classification: Uncertain significance for Cardiovascular phenotype; Hereditary cancer-predisposing syndrome. Last evaluated: 2025-04-28. Review status: criteria provided, single submitter. Criteria: Ambry Variant Classification Scheme 2023. Collection method: clinical testing. Allele origin: germline.
Comment: The p.V1533M variant (also known as c.4597G>A), located in coding exon 34 of the NF1 gene, results from a G to A substitution at nucleotide position 4597. The valine at codon 1533 is replaced by methionine, an amino acid with highly similar properties. This amino acid position is highly conserved in available vertebrate species. In addition, this alteration is predicted to be tolerated by in silico analysis. Based on the available evidence, the clinical significance of this variant remains unclear.